The following is an entry in ClinVar:

ClinVar aggregate classification (germline): Uncertain significance. Review status: criteria provided, multiple submitters, no conflicts (2 of 4 stars). 3 submissions from 3 submitters: Uncertain significance (2). 1 of the submissions does not count toward it. Last evaluated 2024-02-23.

Conditions:
Bardet-Biedl syndrome 1 (BBS1). Identifiers: MedGen C2936862, MONDO:0008854, OMIM 209900. Disease mechanism: loss of function.
Bardet-Biedl syndrome (BBS). Identifiers: Orphanet 110, MedGen C0752166, MONDO:0015229.

Allele frequency attached by ClinVar (database versions not stated): gnomAD exomes below 0.00001; TOPMed below 0.00001; gnomAD 0.00001.
gnomAD v4.1: 2 of 1,613,662 alleles (0.00012%); highest among the groups gnomAD compares: Non-Finnish European, 0.00017%; no homozygotes.

Submissions (3):

Labcorp Genetics (formerly Invitae), Labcorp
Classification: Uncertain significance for Bardet-Biedl syndrome. Last evaluated: 2024-02-23. Review status: criteria provided, single submitter. Criteria: Invitae Variant Classification Sherloc (09022015). Collection method: clinical testing. Allele origin: germline.
Comment: This sequence change replaces valine, which is neutral and non-polar, with isoleucine, which is neutral and non-polar, at codon 199 of the BBS1 protein (p.Val199Ile). This variant is not present in population databases (gnomAD no frequency). This variant has not been reported in the literature in individuals affected with BBS1-related conditions. ClinVar contains an entry for this variant (Variation ID: 1040540). Advanced modeling of protein sequence and biophysical properties (such as structural, functional, and spatial information, amino acid conservation, physicochemical variation, residue mobility, and thermodynamic stability) performed at Invitae indicates that this missense variant is not expected to disrupt BBS1 protein function with a negative predictive value of 80%. In summary, the available evidence is currently insufficient to determine the role of this variant in disease. Therefore, it has been classified as a Variant of Uncertain Significance.

Fulgent Genetics
Classification: Uncertain significance for Bardet-Biedl syndrome 1. Last evaluated: 2021-09-14. Review status: criteria provided, single submitter. Criteria: ACMG Guidelines, 2015. Collection method: clinical testing. Allele origin: unknown.

Natera, Inc.
Classification: Uncertain significance for Bardet-Biedl syndrome type 1. Last evaluated: 2020-02-26. Review status: no assertion criteria provided. Collection method: clinical testing. Allele origin: germline. Not counted in ClinVar's aggregate classification.

NM_024649.5(BBS1):c.595G>A (p.Val199Ile)

Gene: BBS1 (Bardet-Biedl syndrome 1; plus strand). Cytogenetic location: 11q13.2.
Variant type: single nucleotide variant.
Coding change: c.595G>A on transcript NM_024649.5 (MANE Select); coding-DNA position 595, G replaced by A.
Protein change: p.Val199Ile; replaces valine 199 with isoleucine.
Molecular consequence: missense variant.
Genome position (GRCh38, 1-based): chr11:66,519,620, G>A. VCF-style: chr11-66519620-G-A. GRCh37 (hg19) VCF-style: chr11-66287091-G-A.
Other names: short protein forms V199I.
Identifiers: ClinVar variation 1040540 (VCV001040540.10), dbSNP rs1300549627, ClinGen allele CA381458590.